The following is an entry in ClinVar:

NM_001291303.3(FAT4):c.14361C>T (p.Val4787=)

Gene: FAT4 (FAT atypical cadherin 4; plus strand). Cytogenetic location: 4q28.1.
Variant type: single nucleotide variant.
Coding change: c.14361C>T on transcript NM_001291303.3 (MANE Select); coding-DNA position 14361, C replaced by T.
Protein change: p.Val4787=; no amino-acid change (valine 4787 retained).
Molecular consequence: synonymous variant.
Genome position (GRCh38, 1-based): chr4:125,491,177, C>T. VCF-style: chr4-125491177-C-T. GRCh37 (hg19) VCF-style: chr4-126412332-C-T.
Other names: c.14358C>T, p.Val4786= (NM_001291285.3); c.14355C>T, p.Val4785= (NM_024582.6).
Identifiers: ClinVar variation 380905 (VCV000380905.10), dbSNP rs1014865, ClinGen allele CA3074545.

ClinVar aggregate classification (germline): Benign/Likely benign. Review status: criteria provided, multiple submitters, no conflicts (2 of 4 stars). 4 submissions from 4 submitters: Benign (3); Likely benign (1). Last evaluated 2026-02-03.

Conditions:
Hennekam lymphangiectasia-lymphedema syndrome 2 (HKLLS2). Identifiers: Orphanet 2136, MedGen C4014939, MONDO:0014454, OMIM 616006.
Van Maldergem syndrome 2 (VMLDS2). Identifiers: Orphanet 314679, MedGen C3809875, MONDO:0014242, OMIM 615546.

Allele frequency attached by ClinVar (database versions not stated): gnomAD exomes 0.01862; TOPMed 0.01155; ESP Exome Variant Server 0.00661; ExAC 0.01869; 1000 Genomes Project 30x 0.04107; 1000 Genomes Project 0.04473.
gnomAD v4.1: 13,323 of 1,614,074 alleles (0.83%); highest among the groups gnomAD compares: East Asian, 7.4%; 517 homozygotes.

Submissions (4):

Labcorp Genetics (formerly Invitae), Labcorp
Classification: Benign. Last evaluated: 2026-02-03. Review status: criteria provided, single submitter. Criteria: Invitae Variant Classification Sherloc (09022015). Collection method: clinical testing. Allele origin: germline.

Fulgent Genetics
Classification: Likely benign for Van Maldergem syndrome 2; Hennekam lymphangiectasia-lymphedema syndrome 2. Last evaluated: 2021-10-11. Review status: criteria provided, single submitter. Criteria: ACMG Guidelines, 2015. Collection method: clinical testing. Allele origin: unknown.

GeneDx
Classification: Benign. Last evaluated: 2016-08-09. Review status: criteria provided, single submitter. Criteria: GeneDx Variant Classification (06012015). Collection method: clinical testing. Allele origin: germline. Affected: yes.
Comment: This variant is considered likely benign or benign based on one or more of the following criteria: it is a conservative change, it occurs at a poorly conserved position in the protein, it is predicted to be benign by multiple in silico algorithms, and/or has population frequency not consistent with disease.

Breakthrough Genomics
Classification: Benign. Review status: criteria provided, single submitter. Criteria: ACMG Guidelines, 2015. Collection method: not provided. Allele origin: germline. Inheritance: Autosomal recessive inheritance. Affected: yes.